The following is an entry in ClinVar:

ClinVar aggregate classification (germline): Uncertain significance (1 of 4 stars; one submission).

Conditions:
Hereditary cancer-predisposing syndrome. Also called: Neoplastic Syndromes, Hereditary; Tumor predisposition; Hereditary Cancer Syndrome; Hereditary neoplastic syndrome. Identifiers: Orphanet 140162, MedGen C0027672, MeSH D009386, MONDO:0015356.

Submission:

Ambry Genetics
Classification: Uncertain significance for Hereditary cancer-predisposing syndrome. Last evaluated: 2021-12-29. Review status: criteria provided, single submitter. Criteria: Ambry Variant Classification Scheme 2023. Collection method: clinical testing. Allele origin: germline.
Comment: The p.E299D variant (also known as c.897G>T), located in coding exon 6 of the CTNNA1 gene, results from a G to T substitution at nucleotide position 897. The glutamic acid at codon 299 is replaced by aspartic acid, an amino acid with highly similar properties. This amino acid position is conserved. In addition, this alteration is predicted to be tolerated by in silico analysis. Since supporting evidence is limited at this time, the clinical significance of this alteration remains unclear.

NM_001903.5(CTNNA1):c.897G>T (p.Glu299Asp)

Gene: CTNNA1 (catenin alpha 1; plus strand). Cytogenetic location: 5q31.2.
Variant type: single nucleotide variant.
Coding change: c.897G>T on transcript NM_001903.5 (MANE Select); coding-DNA position 897, G replaced by T.
Protein change: p.Glu299Asp; replaces glutamic acid 299 with aspartic acid.
Molecular consequence: missense variant.
Genome position (GRCh38, 1-based): chr5:138,827,553, G>T. VCF-style: chr5-138827553-G-T. GRCh37 (hg19) VCF-style: chr5-138163242-G-T.
Other names: c.897G>T, p.Glu299Asp (NM_001290307.3, NM_001323982.2, NM_001323983.1 and 3 more transcripts); c.588G>T, p.Glu196Asp (NM_001290309.3); c.528G>T, p.Glu176Asp (NM_001290310.3); short protein forms E176D, E196D, E299D.
Identifiers: ClinVar variation 1765316 (VCV001765316.2), dbSNP rs141456038, ClinGen allele CA361130765.